The following is an entry in ClinVar:

ClinVar aggregate classification (germline): Benign. Review status: reviewed by expert panel (3 of 4 stars). 2 submissions from 2 submitters: Benign (1). 1 of the submissions does not count toward it. Last evaluated 2015-01-12.

Conditions:
Breast-ovarian cancer, familial, susceptibility to, 2 (BROVCA2). Also called: BRCA2 Hereditary Breast and Ovarian Cancer. Identifiers: Orphanet 145, MedGen C2675520, MONDO:0012933, OMIM 612555. Disease mechanism: loss of function.

Allele frequency attached by ClinVar (database versions not stated): 1000 Genomes Project 30x 0.25828; 1000 Genomes Project 0.26617; TOPMed 0.27159; gnomAD 0.28097 and 0.28312.
gnomAD v4.1: 42,869 of 151,844 alleles (28%); highest among the groups gnomAD compares: East Asian, 40%; 6,230 homozygotes.

Submissions (2):

Evidence-based Network for the Interpretation of Germline Mutant Alleles (ENIGMA)
Classification: Benign for Breast-ovarian cancer, familial 2. Last evaluated: 2015-01-12. Review status: reviewed by expert panel. Criteria: ENIGMA BRCA1/2 Classification Criteria (2015). Collection method: curation. Allele origin: germline.
Comment: Class 1 not pathogenic based on frequency >1% in an outbred sampleset. Frequency 0.3846 (Asian), 0.1626 (African), 0.2929 (European), derived from 1000 genomes (2012-04-30).

GeneDx
Classification: Benign. Last evaluated: 2018-06-23. Review status: criteria provided, single submitter. Criteria: GeneDx Variant Classification Process June 2021. Collection method: clinical testing. Allele origin: germline. Affected: yes. Not counted in ClinVar's aggregate classification.

NM_000059.4(BRCA2):c.6841+191C>A

Gene: BRCA2 (BRCA2 DNA repair associated; plus strand). Cytogenetic location: 13q13.1.
Variant type: single nucleotide variant.
Coding change: c.6841+191C>A on transcript NM_000059.4 (MANE Select); 191 bases into the intron after coding-DNA position 6841, C replaced by A.
Molecular consequence: intron variant.
Genome position (GRCh38, 1-based): chr13:32,341,387, C>A. VCF-style: chr13-32341387-C-A. GRCh37 (hg19) VCF-style: chr13-32915524-C-A.
Other names: IVS 11+191C>A.
Identifiers: ClinVar variation 209691 (VCV000209691.3), dbSNP rs11571662, ClinGen allele CA276659.
Genomic context (GRCh38, chr13:32,341,387, plus strand): 5'-GGGGGAGTATGGTTTGATATACAGATACACAGATTCAGTATTCGTATACAGATTTGATAT[C>A]TTGGTATACAGATTCGATATCTCTGAATCTGTATACCAAGAAATCATGTTTTAAGGGTCT-3'